The following is an entry in ClinVar:

ClinVar aggregate classification (germline): Benign (1 of 4 stars; one submission).

Allele frequency attached by ClinVar (database versions not stated): 1000 Genomes Project 30x 0.27889; 1000 Genomes Project 0.28395; TOPMed 0.29635; gnomAD 0.30384 and 0.30674; gnomAD exomes 0.37280.

Submission:

GeneDx
Classification: Benign. Last evaluated: 2018-06-14. Review status: criteria provided, single submitter. Criteria: GeneDx Variant Classification (06012015). Collection method: clinical testing. Allele origin: germline. Affected: yes.
Comment: This variant is considered likely benign or benign based on one or more of the following criteria: it is a conservative change, it occurs at a poorly conserved position in the protein, it is predicted to be benign by multiple in silico algorithms, and/or has population frequency not consistent with disease.

NM_002291.3(LAMB1):c.3295-147T>C

Gene: LAMB1 (laminin subunit beta 1; minus strand). Cytogenetic location: 7q31.1.
Variant type: single nucleotide variant.
Coding change: c.3295-147T>C on transcript NM_002291.3 (MANE Select); 147 bases into the intron before coding-DNA position 3295, T replaced by C.
Molecular consequence: intron variant.
Genome position (GRCh38, 1-based): chr7:107,951,469, A>G on the plus strand (T>C on the coding strand, the complement: LAMB1 is on the minus strand). VCF-style: chr7-107951469-A-G. GRCh37 (hg19) VCF-style: chr7-107591914-A-G.
Identifiers: ClinVar variation 682977 (VCV000682977.1), dbSNP rs2072208, ClinGen allele CA12570563.